The following is an entry in ClinVar:

NM_000632.4(ITGAM):c.2513G>A (p.Arg838His)

Gene: ITGAM (integrin subunit alpha M; plus strand). Cytogenetic location: 16p11.2.
Variant type: single nucleotide variant.
Coding change: c.2513G>A on transcript NM_000632.4 (MANE Select); coding-DNA position 2513, G replaced by A.
Protein change: p.Arg838His; replaces arginine 838 with histidine.
Molecular consequence: missense variant.
Genome position (GRCh38, 1-based): chr16:31,325,507, G>A. VCF-style: chr16-31325507-G-A. GRCh37 (hg19) VCF-style: chr16-31336828-G-A.
Other names: c.2516G>A, p.Arg839His (NM_001145808.2); short protein forms R838H, R839H.
Identifiers: ClinVar variation 1480133 (VCV001480133.8), dbSNP rs1475357620, ClinGen allele CA395691816.

ClinVar aggregate classification (germline): Uncertain significance (1 of 4 stars; one submission).

Allele frequency attached by ClinVar (database versions not stated): TOPMed below 0.00001; gnomAD 0.00001; gnomAD exomes below 0.00001 and 0.00001.
gnomAD v4.1: 10 of 1,613,762 alleles (0.00062%); highest among the groups gnomAD compares: Admixed American, 0.0017%; no homozygotes.

Submission:

Labcorp Genetics (formerly Invitae), Labcorp
Classification: Uncertain significance. Last evaluated: 2022-10-14. Review status: criteria provided, single submitter. Criteria: Invitae Variant Classification Sherloc (09022015). Collection method: clinical testing. Allele origin: germline.
Comment: In summary, the available evidence is currently insufficient to determine the role of this variant in disease. Therefore, it has been classified as a Variant of Uncertain Significance. Algorithms developed to predict the effect of missense changes on protein structure and function output the following: SIFT: "Tolerated"; PolyPhen-2: "Benign"; Align-GVGD: "Class C0". The histidine amino acid residue is found in multiple mammalian species, which suggests that this missense change does not adversely affect protein function. ClinVar contains an entry for this variant (Variation ID: 1480133). This variant has not been reported in the literature in individuals affected with ITGAM-related conditions. This variant is present in population databases (no rsID available, gnomAD 0.0009%). This sequence change replaces arginine, which is basic and polar, with histidine, which is basic and polar, at codon 838 of the ITGAM protein (p.Arg838His).